The following is an entry in ClinVar:

ClinVar aggregate classification (germline): Uncertain significance (1 of 4 stars; one submission).

Conditions:
Hereditary cancer-predisposing syndrome. Also called: Hereditary neoplastic syndrome; Hereditary Cancer Syndrome; Neoplastic Syndromes, Hereditary; Tumor predisposition. Identifiers: Orphanet 140162, MedGen C0027672, MeSH D009386, MONDO:0015356.

Submission:

Ambry Genetics
Classification: Uncertain significance for Hereditary cancer-predisposing syndrome. Last evaluated: 2023-05-09. Review status: criteria provided, single submitter. Criteria: Ambry Variant Classification Scheme 2023. Collection method: clinical testing. Allele origin: germline.
Comment: The p.A1005S variant (also known as c.3013G>T), located in coding exon 15 of the APC gene, results from a G to T substitution at nucleotide position 3013. The alanine at codon 1005 is replaced by serine, an amino acid with similar properties. This amino acid position is conserved. In addition, in silico predictors for this gene do not accurately predict pathogenicity. Since supporting evidence is limited at this time, the clinical significance of this alteration remains unclear.

NM_000038.6(APC):c.3013G>T (p.Ala1005Ser)

Gene: APC (APC regulator of Wnt signaling pathway; plus strand). Cytogenetic location: 5q22.2.
Variant type: single nucleotide variant.
Coding change: c.3013G>T on transcript NM_000038.6 (MANE Select); coding-DNA position 3013, G replaced by T.
Protein change: p.Ala1005Ser; replaces alanine 1005 with serine.
Molecular consequence: missense variant. On other transcripts: non-coding transcript variant (2).
Genome position (GRCh38, 1-based): chr5:112,838,607, G>T. VCF-style: chr5-112838607-G-T. GRCh37 (hg19) VCF-style: chr5-112174304-G-T.
Other names: c.2929G>T, p.Ala977Ser (NM_001354899.2); c.2890G>T, p.Ala964Ser (NM_001354900.2); c.2740G>T, p.Ala914Ser (NM_001354902.2); c.2836G>T, p.Ala946Ser (NM_001354901.2, NM_001407453.1); c.2710G>T, p.Ala904Ser (NM_001354903.2, NM_001407458.1, NM_001407459.1 and 1 more transcripts); c.2635G>T, p.Ala879Ser (NM_001354904.2); c.2533G>T, p.Ala845Ser (NM_001354905.2); c.3013G>T, p.Ala1005Ser (NM_001127510.3, NM_001354895.2, NM_001407450.1); and 11 more; short protein forms A1023S, A621S, A876S, A879S, A995S, A998S, A922S, A964S.
Identifiers: ClinVar variation 2567026 (VCV002567026.2), dbSNP rs2533465191, ClinGen allele CA16027923.